The following is an entry in ClinVar:

ClinVar aggregate classification (germline): Likely benign (0 of 4 stars; one submission).

Conditions:
ACAT1-related disorder. Also called: ACAT1-related condition.

gnomAD v4.1: 1 of 639,570 alleles (0.00016%); highest among the groups gnomAD compares: Non-Finnish European, 0.00027%; no homozygotes.

Submission:

PreventionGenetics, part of Exact Sciences
Classification: Likely benign for ACAT1-related condition. Last evaluated: 2024-08-30. Review status: no assertion criteria provided. Collection method: clinical testing. Allele origin: germline.
Comment: This variant is classified as likely benign based on ACMG/AMP sequence variant interpretation guidelines (Richards et al. 2015 PMID: 25741868, with internal and published modifications).

NM_000019.4(ACAT1):c.941-6A>C

Gene: ACAT1 (acetyl-CoA acetyltransferase 1; plus strand). Cytogenetic location: 11q22.3.
Variant type: single nucleotide variant.
Coding change: c.941-6A>C on transcript NM_000019.4 (MANE Select); 6 bases into the intron before coding-DNA position 941, A replaced by C.
Molecular consequence: intron variant.
Genome position (GRCh38, 1-based): chr11:108,143,977, A>C. VCF-style: chr11-108143977-A-C. GRCh37 (hg19) VCF-style: chr11-108014704-A-C.
Other names: c.671-6A>C (NM_001386682.1, NM_001386681.1, NM_001386685.1 and 6 more transcripts); c.941-6A>C (NM_001386677.1); c.644-6A>C (NM_001386679.1); c.626-6A>C (NM_001386678.1).
Identifiers: ClinVar variation 3350061 (VCV003350061.1).
Genomic context (GRCh38, chr11:108,143,977, plus strand): 5'-TGTGCATATTCTATACAGTAAAAAAAAAAAGATTTTAACAACCCCCCCCCCCCTTTTTTT[A>C]AACAGCATTTGCTGACGCTGCTGTAGAACCTATTGATTTTCCAATTGCTCCTGTATATGC-3'